The following is an entry in ClinVar:

NM_001367624.2(ZNF469):c.6016G>C (p.Gly2006Arg)

Gene: ZNF469 (zinc finger protein 469; plus strand). Cytogenetic location: 16q24.2.
Variant type: single nucleotide variant.
Coding change: c.6016G>C on transcript NM_001367624.2 (MANE Select); coding-DNA position 6016, G replaced by C.
Protein change: p.Gly2006Arg; replaces glycine 2006 with arginine.
Molecular consequence: missense variant.
Genome position (GRCh38, 1-based): chr16:88,433,486, G>C. VCF-style: chr16-88433486-G-C. GRCh37 (hg19) VCF-style: chr16-88499894-G-C.
Other names: NM_001127464.1:c.5932G>C; short protein forms G2006R.
Identifiers: ClinVar variation 3476205 (VCV003476205.1).

ClinVar aggregate classification (germline): Uncertain significance (1 of 4 stars; one submission).

Conditions:
Cardiovascular phenotype. Identifiers: MedGen CN230736.

Submission:

Ambry Genetics
Classification: Uncertain significance for Cardiovascular phenotype. Last evaluated: 2024-09-08. Review status: criteria provided, single submitter. Criteria: Ambry Variant Classification Scheme 2023. Collection method: clinical testing. Allele origin: germline.
Comment: The p.G1978R variant (also known as c.5932G>C), located in coding exon 2 of the ZNF469 gene, results from a G to C substitution at nucleotide position 5932. The glycine at codon 1978 is replaced by arginine, an amino acid with dissimilar properties. This amino acid position is conserved. In addition, this alteration is predicted to be tolerated by in silico analysis. Based on the available evidence, the clinical significance of this variant remains unclear.